The following is an entry in ClinVar:

ClinVar aggregate classification (germline): Uncertain significance (1 of 4 stars; one submission).

Conditions:
Mowat-Wilson syndrome (MOWS). Also called: Classic Mowat-Wilson Syndrome. Identifiers: Orphanet 2152, MedGen C1856113, MONDO:0009341, OMIM 235730.

Submission:

Labcorp Genetics (formerly Invitae), Labcorp
Classification: Uncertain significance for Mowat-Wilson syndrome. Last evaluated: 2022-07-23. Review status: criteria provided, single submitter. Criteria: Invitae Variant Classification Sherloc (09022015). Collection method: clinical testing. Allele origin: germline.
Comment: In summary, the available evidence is currently insufficient to determine the role of this variant in disease. Therefore, it has been classified as a Variant of Uncertain Significance. Isolated whole-gene copy number gains of ZEB2 have not been reported in the literature. However, larger copy number events that include this gene have been reported (PMID: 29263819). A copy number gain of the genomic region encompassing the full coding sequence of the ZEB2 gene has been identified. The boundaries of this event are unknown as they extend beyond the assayed region for this gene and therefore may encompass additional genes. As the precise location of this event is unknown, it may be in tandem or it may be located elsewhere in the genome.

Literature cited by the submitters: PubMed 29263819.

NC_000002.11:g.(?_145147018)_(145274988_?)dup

Gene: ZEB2 (zinc finger E-box binding homeobox 2; minus strand). Cytogenetic location: 2q22.3.
Variant type: Duplication.
Identifiers: ClinVar variation 2425975 (VCV002425975.4).